The following is an entry in ClinVar:

ClinVar aggregate classification (germline): Likely benign (1 of 4 stars; one submission).

Submission:

CeGaT Center for Human Genetics Tuebingen
Classification: Likely benign. Last evaluated: 2026-06-01. Review status: criteria provided, single submitter. Criteria: CeGaT Center For Human Genetics Tuebingen Variant Classification Criteria Version 2. Collection method: clinical testing. Allele origin: germline. Affected: yes. Observed: 1 variant allele.
Comment: WDR11: PM2:Supporting, BP4, BP7

NM_018117.12(WDR11):c.795T>C (p.Pro265=)

Gene: WDR11 (WD repeat domain 11; plus strand). Cytogenetic location: 10q26.12.
Variant type: single nucleotide variant.
Coding change: c.795T>C on transcript NM_018117.12 (MANE Select); coding-DNA position 795, T replaced by C.
Protein change: p.Pro265=; no amino-acid change (proline 265 retained).
Molecular consequence: synonymous variant.
Genome position (GRCh38, 1-based): chr10:120,865,128, T>C. VCF-style: chr10-120865128-T-C. GRCh37 (hg19) VCF-style: chr10-122624640-T-C.
Identifiers: ClinVar variation 4874434 (VCV004874434.2).